The following is an entry in ClinVar:

ClinVar aggregate classification (germline): Conflicting classifications of pathogenicity. Review status: criteria provided, conflicting classifications (1 of 4 stars). 2 submissions from 2 submitters: Uncertain significance (1); Likely benign (1). Last evaluated 2023-03-23.

Conditions:
Hereditary cancer-predisposing syndrome. Also called: Hereditary Cancer Syndrome; Hereditary neoplastic syndrome; Tumor predisposition; Neoplastic Syndromes, Hereditary. Identifiers: Orphanet 140162, MedGen C0027672, MeSH D009386, MONDO:0015356.

Submissions (2):

University of Washington Department of Laboratory Medicine, University of Washington
Classification: Likely benign for Hereditary cancer-predisposing syndrome. Last evaluated: 2023-03-23. Review status: criteria provided, single submitter. Criteria: Dines et al. (Genet Med. 2020). Collection method: curation. Allele origin: germline.
Comment: Missense variant in a coldspot region where missense variants are very unlikely to be pathogenic (PMID:31911673).

BRCA2 exon 11 coldspot. Reclassification based on statistical prior probability.

Ambry Genetics
Classification: Uncertain significance for Hereditary cancer-predisposing syndrome. Last evaluated: 2021-01-20. Review status: criteria provided, single submitter. Criteria: Ambry Variant Classification Scheme 2023. Collection method: clinical testing. Allele origin: germline.
Comment: The p.M794I variant (also known as c.2382G>C), located in coding exon 10 of the BRCA2 gene, results from a G to C substitution at nucleotide position 2382. The methionine at codon 794 is replaced by isoleucine, an amino acid with highly similar properties. This amino acid position is poorly conserved in available vertebrate species. In addition, this alteration is predicted to be tolerated by in silico analysis. Since supporting evidence is limited at this time, the clinical significance of this alteration remains unclear.

NM_000059.4(BRCA2):c.2382G>C (p.Met794Ile)

Gene: BRCA2 (BRCA2 DNA repair associated; plus strand). Cytogenetic location: 13q13.1.
Variant type: single nucleotide variant.
Coding change: c.2382G>C on transcript NM_000059.4 (MANE Select); coding-DNA position 2382, G replaced by C.
Protein change: p.Met794Ile; replaces methionine 794 with isoleucine.
Molecular consequence: missense variant.
Genome position (GRCh38, 1-based): chr13:32,336,737, G>C. VCF-style: chr13-32336737-G-C. GRCh37 (hg19) VCF-style: chr13-32910874-G-C.
Other names: c.2382G>C, p.Met794Ile (NM_001406719.1, NM_001406720.1); short protein forms M794I.
Identifiers: ClinVar variation 1790461 (VCV001790461.4), dbSNP rs1555282646, ClinGen allele CA387771853.